The following is an entry in ClinVar:

NM_001035.3(RYR2):c.13234A>G (p.Met4412Val)

Genes: RYR2 (ryanodine receptor 2; plus strand), LOC126806068 (BRD4-independent group 4 enhancer GRCh37_chr1:237947411-237948610; plus strand). Cytogenetic location: 1q43.
Variant type: single nucleotide variant.
Coding change: c.13234A>G on transcript NM_001035.3 (MANE Select); coding-DNA position 13234, A replaced by G.
Protein change: p.Met4412Val; replaces methionine 4412 with valine.
Molecular consequence: missense variant.
Genome position (GRCh38, 1-based): chr1:237,784,946, A>G. VCF-style: chr1-237784946-A-G. GRCh37 (hg19) VCF-style: chr1-237948246-A-G.
Other names: short protein forms M4412V.
Identifiers: ClinVar variation 1485217 (VCV001485217.9), dbSNP rs2149356919, ClinGen allele CA345415639.

ClinVar aggregate classification (germline): Uncertain significance (1 of 4 stars; one submission).

Conditions:
Catecholaminergic polymorphic ventricular tachycardia 1. Also called: VENTRICULAR TACHYCARDIA, CATECHOLAMINERGIC POLYMORPHIC, 1, WITH OR WITHOUT ATRIAL DYSFUNCTION AND/OR DILATED CARDIOMYOPATHY; VENTRICULAR TACHYCARDIA, STRESS-INDUCED POLYMORPHIC 1; RYR2-Related Catecholaminergic Polymorphic Ventricular Tachycardia. Identifiers: Orphanet 3286, MedGen C1631597, MONDO:0011484, OMIM 604772.

Submission:

Labcorp Genetics (formerly Invitae), Labcorp
Classification: Uncertain significance for Catecholaminergic polymorphic ventricular tachycardia 1. Last evaluated: 2024-08-31. Review status: criteria provided, single submitter. Criteria: Invitae Variant Classification Sherloc (09022015). Collection method: clinical testing. Allele origin: germline.
Comment: This sequence change replaces methionine, which is neutral and non-polar, with valine, which is neutral and non-polar, at codon 4412 of the RYR2 protein (p.Met4412Val). This variant is not present in population databases (gnomAD no frequency). This variant has not been reported in the literature in individuals affected with RYR2-related conditions. ClinVar contains an entry for this variant (Variation ID: 1485217). Invitae Evidence Modeling of protein sequence and biophysical properties (such as structural, functional, and spatial information, amino acid conservation, physicochemical variation, residue mobility, and thermodynamic stability) indicates that this missense variant is not expected to disrupt RYR2 protein function with a negative predictive value of 95%. In summary, the available evidence is currently insufficient to determine the role of this variant in disease. Therefore, it has been classified as a Variant of Uncertain Significance.